The following is an entry in ClinVar:

ClinVar aggregate classification (germline): Uncertain significance (1 of 4 stars; one submission).

Conditions:
GNAS-related disorder. Identifiers: MedGen CN380105.

gnomAD v4.1: 20 of 1,613,308 alleles (0.0012%); highest among the groups gnomAD compares: East Asian, 0.018%; no homozygotes.

Submission:

PreventionGenetics, part of Exact Sciences
Classification: Uncertain significance for GNAS-related condition. Last evaluated: 2025-01-17. Review status: criteria provided, single submitter. Criteria: ACMG Guidelines, 2015. Collection method: clinical testing. Allele origin: germline.
Comment: The GNAS c.382G>A variant is predicted to result in the amino acid substitution p.Glu128Lys. To our knowledge, this variant has not been reported in the literature. This variant is reported in 0.038% of alleles in individuals of East Asian descent in gnomAD. Although we suspect that this variant may be benign, at this time, the clinical significance of this variant is uncertain due to the absence of conclusive functional and genetic evidence.

NM_016592.5(GNAS):c.382G>A (p.Glu128Lys)

Genes: GNAS (GNAS complex locus; plus strand), GNAS-AS1 (GNAS antisense RNA 1; minus strand). Cytogenetic location: 20q13.32.
Variant type: single nucleotide variant.
Coding change: c.382G>A on transcript NM_016592.5 (MANE Plus Clinical); coding-DNA position 382, G replaced by A.
Protein change: p.Glu128Lys; replaces glutamic acid 128 with lysine.
Molecular consequence: missense variant. On other transcripts: 5 prime UTR variant (1).
Genome position (GRCh38, 1-based): chr20:58,840,488, G>A. VCF-style: chr20-58840488-G-A. GRCh37 (hg19) VCF-style: chr20-57415543-G-A.
Other names: c.-356G>A (NM_001410912.1); short protein forms E128K.
Identifiers: ClinVar variation 4981492 (VCV004981492.1).